The following is an entry in ClinVar:

NM_004551.3(NDUFS3):c.768C>T (p.Ala256=)

Gene: NDUFS3 (NADH:ubiquinone oxidoreductase core subunit S3; plus strand). Cytogenetic location: 11p11.2.
Variant type: single nucleotide variant.
Coding change: c.768C>T on transcript NM_004551.3 (MANE Select); coding-DNA position 768, C replaced by T.
Protein change: p.Ala256=; no amino-acid change (alanine 256 retained).
Molecular consequence: synonymous variant.
Genome position (GRCh38, 1-based): chr11:47,584,454, C>T. VCF-style: chr11-47584454-C-T. GRCh37 (hg19) VCF-style: chr11-47606006-C-T.
Identifiers: ClinVar variation 732328 (VCV000732328.28), dbSNP rs544439788, ClinGen allele CA5978096.

ClinVar aggregate classification (germline): Likely benign. Review status: criteria provided, multiple submitters, no conflicts (2 of 4 stars). 3 submissions from 3 submitters: Likely benign (2). 1 of the submissions does not count toward it. Last evaluated 2025-02-25.

Conditions:
NDUFS3-related disorder. Also called: NDUFS3-Related Disorders; NDUFS3-related condition.

Allele frequency attached by ClinVar (database versions not stated): gnomAD 0.00007 and 0.00008; TOPMed 0.00017; ExAC 0.00007.
gnomAD v4.1: 180 of 1,613,936 alleles (0.011%); highest among the groups gnomAD compares: South Asian, 0.034%; 1 homozygote.

Submissions (3):

Labcorp Genetics (formerly Invitae), Labcorp
Classification: Likely benign. Last evaluated: 2025-02-25. Review status: criteria provided, single submitter. Criteria: Invitae Variant Classification Sherloc (09022015). Collection method: clinical testing. Allele origin: germline.

CeGaT Center for Human Genetics Tuebingen
Classification: Likely benign. Last evaluated: 2024-06-01. Review status: criteria provided, single submitter. Criteria: CeGaT Center For Human Genetics Tuebingen Variant Classification Criteria Version 2. Collection method: clinical testing. Allele origin: germline. Affected: yes. Observed: 1 variant allele.
Comment: NDUFS3: BP4, BP7

PreventionGenetics, part of Exact Sciences
Classification: Likely benign for NDUFS3-related condition. Last evaluated: 2019-07-11. Review status: no assertion criteria provided. Collection method: clinical testing. Allele origin: germline. Not counted in ClinVar's aggregate classification.
Comment: This variant is classified as likely benign based on ACMG/AMP sequence variant interpretation guidelines (Richards et al. 2015 PMID: 25741868, with internal and published modifications).